The following is an entry in ClinVar:

ClinVar aggregate classification (germline): Uncertain significance (1 of 4 stars; one submission).

Conditions:
CHARGE syndrome (CHARGE). Also called: Coloboma, heart anomaly, choanal atresia, retardation, genital and ear anomalies; CHARGE association; Hall-Hittner syndrome; Hittner Hirsch Kreh syndrome; CHARGE ASSOCIATION--COLOBOMA, HEART ANOMALY, CHOANAL ATRESIA, RETARDATION, GENITAL AND EAR ANOMALIES. Identifiers: Orphanet 138, MedGen C0265354, MONDO:0008965.

Submission:

Labcorp Genetics (formerly Invitae), Labcorp
Classification: Uncertain significance for CHARGE syndrome. Last evaluated: 2020-12-11. Review status: criteria provided, single submitter. Criteria: Invitae Variant Classification Sherloc (09022015). Collection method: clinical testing. Allele origin: germline.
Comment: In summary, the available evidence is currently insufficient to determine the role of this variant in disease. Therefore, it has been classified as a Variant of Uncertain Significance. Algorithms developed to predict the effect of sequence changes on RNA splicing suggest that this variant may create or strengthen a splice site, but this prediction has not been confirmed by published transcriptional studies. Advanced modeling of protein sequence and biophysical properties (such as structural, functional, and spatial information, amino acid conservation, physicochemical variation, residue mobility, and thermodynamic stability) performed at Invitae indicates that this missense variant is not expected to disrupt CHD7 protein function. This variant has not been reported in the literature in individuals with CHD7-related conditions. This variant is not present in population databases (ExAC no frequency). This sequence change replaces aspartic acid with glycine at codon 1358 of the CHD7 protein (p.Asp1358Gly). The aspartic acid residue is highly conserved and there is a moderate physicochemical difference between aspartic acid and glycine.

NM_017780.4(CHD7):c.4073A>G (p.Asp1358Gly)

Gene: CHD7 (chromodomain helicase DNA binding protein 7; plus strand). Cytogenetic location: 8q12.2.
Variant type: single nucleotide variant.
Coding change: c.4073A>G on transcript NM_017780.4 (MANE Select); coding-DNA position 4073, A replaced by G.
Protein change: p.Asp1358Gly; replaces aspartic acid 1358 with glycine.
Molecular consequence: missense variant. On other transcripts: intron variant (1).
Genome position (GRCh38, 1-based): chr8:60,836,900, A>G. VCF-style: chr8-60836900-A-G. GRCh37 (hg19) VCF-style: chr8-61749459-A-G.
Other names: c.1717-25329A>G (NM_001316690.1); short protein forms D1358G.
Identifiers: ClinVar variation 1507512 (VCV001507512.8), dbSNP rs2150777199, ClinGen allele CA371316748.